The following is an entry in ClinVar:

ClinVar aggregate classification (germline): Uncertain significance (1 of 4 stars; one submission).

Conditions:
Hypertrophic cardiomyopathy 14. Identifiers: MedGen C2750467, MONDO:0013197, OMIM 613251.

Allele frequency attached by ClinVar (database versions not stated): gnomAD exomes below 0.00001; ExAC 0.00001.
gnomAD v4.1: 1 of 1,614,026 alleles (0.000062%); highest among the groups gnomAD compares: East Asian, 0.0022%; no homozygotes.

Submission:

Labcorp Genetics (formerly Invitae), Labcorp
Classification: Uncertain significance for Hypertrophic cardiomyopathy 14. Last evaluated: 2021-09-16. Review status: criteria provided, single submitter. Criteria: Invitae Variant Classification Sherloc (09022015). Collection method: clinical testing. Allele origin: germline.
Comment: In summary, the available evidence is currently insufficient to determine the role of this variant in disease. Therefore, it has been classified as a Variant of Uncertain Significance. Algorithms developed to predict the effect of missense changes on protein structure and function output the following: SIFT: "Tolerated"; PolyPhen-2: "Benign"; Align-GVGD: "Class C0". The lysine amino acid residue is found in multiple mammalian species, which suggests that this missense change does not adversely affect protein function. This variant has not been reported in the literature in individuals affected with MYH6-related conditions. This variant is present in population databases (rs146414756, ExAC 0.01%). This sequence change replaces arginine with lysine at codon 741 of the MYH6 protein (p.Arg741Lys). The arginine residue is weakly conserved and there is a small physicochemical difference between arginine and lysine.

NM_002471.4(MYH6):c.2222G>A (p.Arg741Lys)

Gene: MYH6 (myosin heavy chain 6; minus strand). Cytogenetic location: 14q11.2.
Variant type: single nucleotide variant.
Coding change: c.2222G>A on transcript NM_002471.4 (MANE Select); coding-DNA position 2222, G replaced by A.
Protein change: p.Arg741Lys; replaces arginine 741 with lysine.
Molecular consequence: missense variant.
Genome position (GRCh38, 1-based): chr14:23,396,764, C>T on the plus strand (G>A on the coding strand, the complement: MYH6 is on the minus strand). VCF-style: chr14-23396764-C-T. GRCh37 (hg19) VCF-style: chr14-23865973-C-T.
Other names: short protein forms R741K.
Identifiers: ClinVar variation 1475580 (VCV001475580.6), dbSNP rs146414756, ClinGen allele CA7115545.